The following is an entry in ClinVar:

NM_018136.5(ASPM):c.6287C>T (p.Thr2096Ile)

Gene: ASPM (assembly factor for spindle microtubules; minus strand). Cytogenetic location: 1q31.3.
Variant type: single nucleotide variant.
Coding change: c.6287C>T on transcript NM_018136.5 (MANE Select); coding-DNA position 6287, C replaced by T.
Protein change: p.Thr2096Ile; replaces threonine 2096 with isoleucine.
Molecular consequence: missense variant. On other transcripts: intron variant (1).
Genome position (GRCh38, 1-based): chr1:197,102,964, G>A on the plus strand (C>T on the coding strand, the complement: ASPM is on the minus strand). VCF-style: chr1-197102964-G-A. GRCh37 (hg19) VCF-style: chr1-197072094-G-A.
Other names: c.4066-6800C>T (NM_001206846.2); short protein forms T2096I.
Identifiers: ClinVar variation 3606878 (VCV003606878.2).
Genomic context (GRCh38, chr1:197,102,964, plus strand): 5'-ATGTGTTGAATATGTCTTCTAACTCTAATACCTCTATAAACAGATTGGATTTTAATTGCT[G>A]TCTTCTTCAAATTAAGATACTCCTTATGCTGATGGTTTGTAATTTTAATACCTCGATACC-3'
Protein context (NP_060606.3, residues 2086-2106): QHKEYLNLKK[Thr2096Ile]AIKIQSVYRG

ClinVar aggregate classification (germline): Uncertain significance (1 of 4 stars; one submission).

gnomAD v4.1: 4 of 1,612,346 alleles (0.00025%); highest among the groups gnomAD compares: Non-Finnish European, 0.00025%; no homozygotes.

Submission:

Labcorp Genetics (formerly Invitae), Labcorp
Classification: Uncertain significance. Last evaluated: 2024-04-04. Review status: criteria provided, single submitter. Criteria: Invitae Variant Classification Sherloc (09022015). Collection method: clinical testing. Allele origin: germline.
Comment: This sequence change replaces threonine, which is neutral and polar, with isoleucine, which is neutral and non-polar, at codon 2096 of the ASPM protein (p.Thr2096Ile). This variant is not present in population databases (gnomAD no frequency). This variant has not been reported in the literature in individuals affected with ASPM-related conditions. Advanced modeling of protein sequence and biophysical properties (such as structural, functional, and spatial information, amino acid conservation, physicochemical variation, residue mobility, and thermodynamic stability) performed at Invitae indicates that this missense variant is not expected to disrupt ASPM protein function with a negative predictive value of 80%. In summary, the available evidence is currently insufficient to determine the role of this variant in disease. Therefore, it has been classified as a Variant of Uncertain Significance.